The following is an entry in ClinVar:

ClinVar aggregate classification (germline): Uncertain significance (1 of 4 stars; one submission).

Conditions:
Hypertrophic cardiomyopathy. Also called: HYPERTROPHIC MYOCARDIOPATHY. Identifiers: Orphanet 217569, MedGen C0007194, MeSH D002312, MONDO:0005045, HP:0001639.

gnomAD v4.1: 6 of 1,580,858 alleles (0.00038%); highest among the groups gnomAD compares: Middle Eastern, 0.035%; 1 homozygote.

Submission:

Labcorp Genetics (formerly Invitae), Labcorp
Classification: Uncertain significance for Hypertrophic cardiomyopathy. Last evaluated: 2021-02-11. Review status: criteria provided, single submitter. Criteria: Invitae Variant Classification Sherloc (09022015). Collection method: clinical testing. Allele origin: germline.
Comment: Algorithms developed to predict the effect of missense changes on protein structure and function (SIFT, PolyPhen-2, Align-GVGD) all suggest that this variant is likely to be tolerated, but these predictions have not been confirmed by published functional studies and their clinical significance is uncertain. This variant has not been reported in the literature in individuals with JPH2-related conditions. This variant is not present in population databases (ExAC no frequency). This sequence change replaces serine with leucine at codon 597 of the JPH2 protein (p.Ser597Leu). The serine residue is weakly conserved and there is a large physicochemical difference between serine and leucine. In summary, the available evidence is currently insufficient to determine the role of this variant in disease. Therefore, it has been classified as a Variant of Uncertain Significance.

NM_020433.5(JPH2):c.1790C>T (p.Ser597Leu)

Gene: JPH2 (junctophilin 2; minus strand). Cytogenetic location: 20q13.12.
Variant type: single nucleotide variant.
Coding change: c.1790C>T on transcript NM_020433.5 (MANE Select); coding-DNA position 1790, C replaced by T.
Protein change: p.Ser597Leu; replaces serine 597 with leucine.
Molecular consequence: missense variant.
Genome position (GRCh38, 1-based): chr20:44,115,885, G>A on the plus strand (C>T on the coding strand, the complement: JPH2 is on the minus strand). VCF-style: chr20-44115885-G-A. GRCh37 (hg19) VCF-style: chr20-42744525-G-A.
Other names: short protein forms S597L.
Identifiers: ClinVar variation 1410523 (VCV001410523.8), dbSNP rs775179837, ClinGen allele CA409099919.